The following is an entry in ClinVar:

ClinVar aggregate classification (germline): Uncertain significance (1 of 4 stars; one submission).

Allele frequency attached by ClinVar (database versions not stated): gnomAD exomes below 0.00001.
gnomAD v4.1: 1 of 1,614,262 alleles (0.000062%); highest among the groups gnomAD compares: Non-Finnish European, 0.000085%; no homozygotes.

Submission:

Labcorp Genetics (formerly Invitae), Labcorp
Classification: Uncertain significance. Last evaluated: 2022-08-23. Review status: criteria provided, single submitter. Criteria: Invitae Variant Classification Sherloc (09022015). Collection method: clinical testing. Allele origin: germline.
Comment: ClinVar contains an entry for this variant (Variation ID: 1463697). This sequence change replaces valine, which is neutral and non-polar, with isoleucine, which is neutral and non-polar, at codon 120 of the LETM1 protein (p.Val120Ile). This variant is not present in population databases (gnomAD no frequency). This variant has not been reported in the literature in individuals affected with LETM1-related conditions. Algorithms developed to predict the effect of missense changes on protein structure and function output the following: SIFT: "Tolerated"; PolyPhen-2: "Benign"; Align-GVGD: "Class C0". The isoleucine amino acid residue is found in multiple mammalian species, which suggests that this missense change does not adversely affect protein function. Algorithms developed to predict the effect of sequence changes on RNA splicing suggest that this variant may create or strengthen a splice site. In summary, the available evidence is currently insufficient to determine the role of this variant in disease. Therefore, it has been classified as a Variant of Uncertain Significance.

NM_012318.3(LETM1):c.358G>A (p.Val120Ile)

Gene: LETM1 (leucine zipper and EF-hand containing transmembrane protein 1; minus strand). Cytogenetic location: 4p16.3.
Variant type: single nucleotide variant.
Coding change: c.358G>A on transcript NM_012318.3 (MANE Select); coding-DNA position 358, G replaced by A.
Protein change: p.Val120Ile; replaces valine 120 with isoleucine.
Molecular consequence: missense variant.
Genome position (GRCh38, 1-based): chr4:1,841,583, C>T on the plus strand (G>A on the coding strand, the complement: LETM1 is on the minus strand). VCF-style: chr4-1841583-C-T. GRCh37 (hg19) VCF-style: chr4-1843310-C-T.
Other names: short protein forms V120I.
Identifiers: ClinVar variation 1463697 (VCV001463697.6), dbSNP rs2108851753, ClinGen allele CA356010179.
Genomic context (GRCh38, chr4:1,841,583, plus strand): 5'-CCGGGCCGCCTTCCTCCAGCTTCTTGTTCTTGTCCTTCAAGGACTTGAGGGACTTCTCTA[C>T]TACCGAGTCATCGCGAACAGGGCGCGAAGAGTGCCAGCCACGCACAGGAAGGCACTGAGG-3'
Protein context (NP_036450.1, residues 110-130): SSRPVRDDSV[Val120Ile]EKSLKSLKDK